The following is an entry in ClinVar:

ClinVar aggregate classification (germline): Conflicting classifications of pathogenicity. Review status: criteria provided, conflicting classifications (1 of 4 stars). 4 submissions from 4 submitters: Pathogenic (2); Uncertain significance (2). Last evaluated 2025-10-20.

Conditions:
Retinal disorder. Also called: Retinopathy; Retinopathies; Retinal Diseases; Retinal disorders. Identifiers: MedGen C0035309, MONDO:0005283, HP:0000488.
MERTK-related disorder. Also called: MERTK-related condition.

Allele frequency attached by ClinVar (database versions not stated): TOPMed below 0.00001; ExAC 0.00004.
gnomAD v4.1: 16 of 1,614,096 alleles (0.00099%); highest among the groups gnomAD compares: Middle Eastern, 0.016%; no homozygotes.

Submissions (4):

Genetics Laboratory, Great Ormond Street Hospital NHS Foundation Trust, North Thames Genomic Laboratory Hub
Classification: Uncertain significance for Retinal disorders. Last evaluated: 2025-10-20. Review status: criteria provided, single submitter. Criteria: ACGS Best Practice Guidelines for Variant Classification in Rare Disease 2024 v1.2. Collection method: clinical testing. Allele origin: germline. Affected: yes.
Comment: PM2_moderate, PM3_moderate

Labcorp Genetics (formerly Invitae), Labcorp
Classification: Pathogenic. Last evaluated: 2025-08-31. Review status: criteria provided, single submitter. Criteria: Invitae Variant Classification Sherloc (09022015). Collection method: clinical testing. Allele origin: germline.
Comment: This sequence change replaces threonine, which is neutral and polar, with methionine, which is neutral and non-polar, at codon 378 of the MERTK protein (p.Thr378Met). This variant is present in population databases (rs745461381, gnomAD 0.01%). This missense change has been observed in individual(s) with clinical features of retinitis pigmentosa (PMID: 31370859, 36036427; internal data). In at least one individual the data is consistent with being in trans (on the opposite chromosome) from a pathogenic variant. ClinVar contains an entry for this variant (Variation ID: 1017037). Invitae Evidence Modeling of protein sequence and biophysical properties (such as structural, functional, and spatial information, amino acid conservation, physicochemical variation, residue mobility, and thermodynamic stability) indicates that this missense variant is expected to disrupt MERTK protein function with a positive predictive value of 80%. For these reasons, this variant has been classified as Pathogenic.

PreventionGenetics, part of Exact Sciences
Classification: Uncertain significance for MERTK-related condition. Last evaluated: 2024-12-23. Review status: criteria provided, single submitter. Criteria: ACMG Guidelines, 2015. Collection method: clinical testing. Allele origin: germline.
Comment: The MERTK c.1133C>T variant is predicted to result in the amino acid substitution p.Thr378Met. This variant has been reported in the homozygous state in an individual with retinitis pigmentosa (Takahashi et al. 2019. PubMed ID: 31370859). This variant has also been reported along with a MERTK nonsense variant in an individual with retinitis pigmentosa (Poli et al. 2022. PubMed ID: 36036427). This variant is present in 0.013% of alleles in individuals of South Asian descent in gnomAD. Although we suspect that this variant may be pathogenic, at this time, the clinical significance of this variant is uncertain due to the absence of conclusive functional and genetic evidence.

Blueprint Genetics
Classification: Pathogenic for MERTK-related disorders. Last evaluated: 2021-11-09. Review status: criteria provided, single submitter. Criteria: ACMG Guidelines, 2015. Collection method: clinical testing. Allele origin: germline. Affected: yes. Observed: 2 variant alleles.

Literature cited by the submitters: PubMed 31370859 (cited by Labcorp Genetics (formerly Invitae), Labcorp); PubMed 36036427 (cited by Labcorp Genetics (formerly Invitae), Labcorp).

NM_006343.3(MERTK):c.1133C>T (p.Thr378Met)

Genes: MERTK (MER proto-oncogene, tyrosine kinase; plus strand), LOC112806037 (Sharpr-MPRA regulatory region 3720; plus strand). Cytogenetic location: 2q13.
Variant type: single nucleotide variant.
Coding change: c.1133C>T on transcript NM_006343.3 (MANE Select); coding-DNA position 1133, C replaced by T.
Protein change: p.Thr378Met; replaces threonine 378 with methionine.
Molecular consequence: missense variant.
Genome position (GRCh38, 1-based): chr2:111,975,461, C>T. VCF-style: chr2-111975461-C-T. GRCh37 (hg19) VCF-style: chr2-112733038-C-T.
Other names: c.1133C>T (NM_006343.2); short protein forms T378M.
Identifiers: ClinVar variation 1017037 (VCV001017037.11), dbSNP rs745461381, ClinGen allele CA1831272.